The following is an entry in ClinVar:

ClinVar aggregate classification (germline): Conflicting classifications of pathogenicity. Review status: criteria provided, conflicting classifications (1 of 4 stars). 9 submissions from 9 submitters: Likely pathogenic (2); Uncertain significance (7). Last evaluated 2026-01-05.

Conditions:
MYH7-related disorder. Also called: MYH7-related condition; MYH7-related disease; MYH7-related disorders.
Myosin storage myopathy (CMYO7A). Also called: Scapuloperoneal myopathy, MYH7-related; MYOPATHY, HYALINE BODY, AUTOSOMAL DOMINANT; SCAPULOPERONEAL MUSCULAR DYSTROPHY; SCAPULOPERONEAL SYNDROME, MYOPATHIC TYPE; MYH7-related late-onset scapuloperoneal muscular dystrophy; Congenital myopathy 7A, myosin storage, autosomal dominant. Identifiers: Orphanet 437572, Orphanet 636965, MedGen C1842160, MONDO:0008409, OMIM 608358.
Cardiovascular phenotype. Identifiers: MedGen CN230736.
Cardiomyopathy (CMYO). Also called: Cardiomyopathies. Identifiers: Orphanet 167848, MedGen C0878544, MONDO:0004994, HP:0001638. Inheritance: Various modes of inheritance.
Delayed gross motor development. Identifiers: MedGen C1837658, HP:0002194.
Epicanthus. Also called: Epicanthal fold. Identifiers: MedGen C0678230, OMIM 131500, HP:0000286.
Delayed speech and language development. Also called: Language delay. Identifiers: MedGen C0454644, HP:0000750.
Primary dilated cardiomyopathy (DCM). Also called: Dilated Cardiomyopathy. Identifiers: Orphanet 217604, MedGen C0007193, MeSH D002311, MONDO:0005021, HP:0001644. Inheritance: Various modes of inheritance.
Lambdoidal craniosynostosis. Identifiers: MedGen C1833340, HP:0004443.
Sagittal craniosynostosis. Identifiers: MedGen C0432123, HP:0004442.
Muscular ventricular septal defect. Identifiers: MedGen C0685707, HP:0011623.
Hypertrophic cardiomyopathy. Also called: HYPERTROPHIC MYOCARDIOPATHY. Identifiers: Orphanet 217569, MedGen C0007194, MeSH D002312, MONDO:0005045, HP:0001639.

Submissions (9):

Labcorp Genetics (formerly Invitae), Labcorp
Classification: Uncertain significance for Hypertrophic cardiomyopathy. Last evaluated: 2026-01-05. Review status: criteria provided, single submitter. Criteria: Invitae Variant Classification Sherloc (09022015). Collection method: clinical testing. Allele origin: germline.
Comment: This sequence change replaces glutamic acid, which is acidic and polar, with lysine, which is basic and polar, at codon 1223 of the MYH7 protein (p.Glu1223Lys). This variant is not present in population databases (gnomAD no frequency). This missense change has been observed in individual(s) with dilated cardiomyopathy (PMID: 29892087, 31737537). ClinVar contains an entry for this variant (Variation ID: 195928). Invitae Evidence Modeling of protein sequence and biophysical properties (such as structural, functional, and spatial information, amino acid conservation, physicochemical variation, residue mobility, and thermodynamic stability) indicates that this missense variant is expected to disrupt MYH7 protein function with a positive predictive value of 95%. In summary, the available evidence is currently insufficient to determine the role of this variant in disease. Therefore, it has been classified as a Variant of Uncertain Significance.

Color Diagnostics, LLC DBA Color Health
Classification: Uncertain significance for Cardiomyopathy. Last evaluated: 2025-10-07. Review status: criteria provided, single submitter. Criteria: ACMG Guidelines, 2015. Collection method: clinical testing. Allele origin: germline.
Comment: This missense variant replaces glutamic acid with lysine at codon 1223 of the MYH7 protein. Computational prediction suggests that this variant may have deleterious impact on protein structure and function. To our knowledge, functional studies have not been reported for this variant. This variant has been reported in three individuals affected with dilated cardiomyopathy (PMID: 29892087, 31737537, 40932142). This variant has not been identified in the general population by the Genome Aggregation Database (gnomAD). The available evidence is insufficient to determine the role of this variant in disease conclusively. Therefore, this variant is classified as a Variant of Uncertain Significance.

Genomic Medicine Center of Excellence, King Faisal Specialist Hospital and Research Centre
Classification: Uncertain significance for Myosin storage myopathy. Last evaluated: 2024-03-29. Review status: criteria provided, single submitter. Criteria: ACMG Guidelines, 2015. Collection method: clinical testing. Allele origin: germline.

GeneDx
Classification: Likely pathogenic. Last evaluated: 2023-02-06. Review status: criteria provided, single submitter. Criteria: GeneDx Variant Classification Process June 2021. Collection method: clinical testing. Allele origin: germline. Affected: yes.
Comment: Identified in patients with DCM referred for genetic testing at GeneDx and in published literature (Horvat et al., 2019; Marschall et al., 2019); Not observed in large population cohorts (gnomAD); In silico analysis supports that this missense variant has a deleterious effect on protein structure/function; This variant is associated with the following publications: (PMID: 31737537, 29892087)

Blueprint Genetics
Classification: Likely pathogenic for MYH7-related disorders. Last evaluated: 2022-11-30. Review status: criteria provided, single submitter. Criteria: ACMG Guidelines, 2015. Collection method: clinical testing. Allele origin: germline. Affected: yes. Observed: 1 variant allele.

Ambry Genetics
Classification: Uncertain significance for Cardiovascular phenotype. Last evaluated: 2022-09-19. Review status: criteria provided, single submitter. Criteria: Ambry Variant Classification Scheme 2023. Collection method: clinical testing. Allele origin: germline.
Comment: The p.E1223K variant (also known as c.3667G>A), located in coding exon 25 of the MYH7 gene, results from a G to A substitution at nucleotide position 3667. The glutamic acid at codon 1223 is replaced by lysine, an amino acid with similar properties. This alteration has been reported in dilated cardiomyopathy (DCM) cohorts; however, clinical details were limited (Horvat C et al. Genet Med, 2019 01;21:133-143; Marschall C et al. Cardiovasc Diagn Ther, 2019 Oct;9:S292-S298). This amino acid position is highly conserved in available vertebrate species. In addition, this alteration is predicted to be deleterious by in silico analysis. Since supporting evidence is limited at this time, the clinical significance of this alteration remains unclear.

CHEO Genetics Diagnostic Laboratory, Children's Hospital of Eastern Ontario
Classification: Uncertain significance for Cardiomyopathy. Last evaluated: 2020-01-03. Review status: criteria provided, single submitter. Criteria: ACMG Guidelines, 2015. Collection method: clinical testing. Allele origin: germline.

Centre for Mendelian Genomics, University Medical Centre Ljubljana
Classification: Uncertain significance for Delayed gross motor development; Delayed speech and language development; Primary dilated cardiomyopathy; Epicanthus; Lambdoidal craniosynostosis; Muscular ventricular septal defect; Sagittal craniosynostosis. Last evaluated: 2015-05-12. Review status: criteria provided, single submitter. Criteria: ACMG Guidelines, 2015. Collection method: clinical testing. Allele origin: unknown. Affected: yes.

Eurofins Ntd Llc (ga)
Classification: Uncertain significance. Last evaluated: 2015-01-09. Review status: criteria provided, single submitter. Criteria: EGL Classification Definitions 2015. Collection method: clinical testing. Allele origin: germline. Observed: 2 variant alleles, 2 heterozygotes.

Literature cited by the submitters: PubMed 29892087 (cited by 3 submitters); PubMed 31737537 (cited by 3 submitters); PubMed 40932142 (cited by Color Diagnostics, LLC DBA Color Health).

NM_000257.4(MYH7):c.3667G>A (p.Glu1223Lys)

Gene: MYH7 (myosin heavy chain 7; minus strand). Cytogenetic location: 14q11.2.
Variant type: single nucleotide variant.
Coding change: c.3667G>A on transcript NM_000257.4 (MANE Select); coding-DNA position 3667, G replaced by A.
Protein change: p.Glu1223Lys; replaces glutamic acid 1223 with lysine.
Molecular consequence: missense variant.
Genome position (GRCh38, 1-based): chr14:23,419,904, C>T on the plus strand (G>A on the coding strand, the complement: MYH7 is on the minus strand). VCF-style: chr14-23419904-C-T. GRCh37 (hg19) VCF-style: chr14-23889113-C-T.
Other names: short protein forms E1223K.
Identifiers: ClinVar variation 195928 (VCV000195928.23), dbSNP rs794727410, ClinGen allele CA013954.